The following is an entry in ClinVar:

NM_152416.4(NDUFAF6):c.715-3C>A

Gene: NDUFAF6 (NADH:ubiquinone oxidoreductase complex assembly factor 6; plus strand). Cytogenetic location: 8q22.1.
Variant type: single nucleotide variant.
Coding change: c.715-3C>A on transcript NM_152416.4 (MANE Select); 3 bases into the intron before coding-DNA position 715, C replaced by A.
Molecular consequence: intron variant.
Genome position (GRCh38, 1-based): chr8:95,048,454, C>A. VCF-style: chr8-95048454-C-A. GRCh37 (hg19) VCF-style: chr8-96060682-C-A.
Other names: c.715-3C>A (NM_152416.2); c.382-3C>A (NM_001354534.2, NM_001354518.2, NM_001354519.2 and 1 more transcripts); c.439-3C>A (NM_001354514.2, NM_001354515.2, NM_001330582.2 and 1 more transcripts); c.259-3C>A (NM_001354525.2, NM_001354524.2, NM_001354522.2 and 7 more transcripts); c.559-3C>A (NM_001354516.2).
Identifiers: ClinVar variation 284262 (VCV000284262.18), dbSNP rs200620409, ClinGen allele CA4814891.

ClinVar aggregate classification (germline): Conflicting classifications of pathogenicity. Review status: criteria provided, conflicting classifications (1 of 4 stars). 7 submissions from 7 submitters: Uncertain significance (6); Likely benign (1). Last evaluated 2026-03-01.

Conditions:
Mitochondrial complex I deficiency, nuclear type 17. Also called: Mitochondrial complex 1 deficiency, nuclear type 17. Identifiers: MedGen C4748786, MONDO:0032622, OMIM 618239.
Inborn genetic diseases. Identifiers: MedGen C0950123, MeSH D030342.
Leigh syndrome (NULS). Also called: LEIGH SYNDROME, NUCLEAR; Leigh Syndrome (mtDNA deletion); Leigh's syndrome; Subacute necrotizing encephalopathy; Necrotizing encephalopathy infantile subacute of Leigh; Leigh Disease. Identifiers: Orphanet 506, MedGen C2931891, MONDO:0009723, OMIM 256000.

Allele frequency attached by ClinVar (database versions not stated): ExAC 0.00049; gnomAD 0.00053 and 0.00054; TOPMed 0.00059; ESP Exome Variant Server 0.00118.
gnomAD v4.1: 1,363 of 1,606,774 alleles (0.085%); highest among the groups gnomAD compares: Non-Finnish European, 0.11%; no homozygotes.

Submissions (17):

CeGaT Center for Human Genetics Tuebingen
Classification: Likely benign. Last evaluated: 2026-03-01. Review status: criteria provided, single submitter. Criteria: CeGaT Center For Human Genetics Tuebingen Variant Classification Criteria Version 2. Collection method: clinical testing. Allele origin: germline. Affected: yes. Observed: 1 variant allele.
Comment: NDUFAF6: BP4

Labcorp Genetics (formerly Invitae), Labcorp
Classification: Uncertain significance. Last evaluated: 2025-01-20. Review status: criteria provided, single submitter. Criteria: Invitae Variant Classification Sherloc (09022015). Collection method: clinical testing. Allele origin: germline.
Comment: This sequence change falls in intron 6 of the NDUFAF6 gene. It does not directly change the encoded amino acid sequence of the NDUFAF6 protein. It affects a nucleotide within the consensus splice site. This variant is present in population databases (rs200620409, gnomAD 0.1%), and has an allele count higher than expected for a pathogenic variant. This variant has not been reported in the literature in individuals affected with NDUFAF6-related conditions. ClinVar contains an entry for this variant (Variation ID: 284262). Variants that disrupt the consensus splice site are a relatively common cause of aberrant splicing (PMID: 17576681, 9536098). Algorithms developed to predict the effect of sequence changes on RNA splicing suggest that this variant may disrupt the consensus splice site. In summary, the available evidence is currently insufficient to determine the role of this variant in disease. Therefore, it has been classified as a Variant of Uncertain Significance.

Blueprint Genetics
Classification: Uncertain significance. Last evaluated: 2024-11-22. Review status: criteria provided, single submitter. Criteria: ACMG Guidelines, 2015. Collection method: clinical testing. Allele origin: germline.

Broad Center for Mendelian Genomics, Broad Institute of MIT and Harvard
Classification: Uncertain significance for Mitochondrial complex I deficiency, nuclear type 17. Last evaluated: 2023-05-02. Review status: criteria provided, single submitter. Criteria: ACMG Guidelines, 2015. Collection method: curation. Allele origin: germline. Inheritance: Autosomal recessive inheritance.
Comment: The c.715-3C>A variant in NDUFAF6 has not been previously reported in individuals with mitochondrial complex I deficiency nuclear type 17 but has been identified in 0.1% (70/68030) of European (non-Finnish) chromosomes by the Genome Aggregation Database (gnomAD; dbSNP ID: rs200620409). Although this variant has been seen in the general population in a heterozygous state, its frequency is not high enough to rule out a pathogenic role. This variant has also been reported in ClinVar (Variation ID: 284262) and has been interpreted as a variant of uncertain significance by Eurofins NTD LLC, Baylor Genetics, and Invitae. This variant is located in the 3' splice region. Computational tools predict a splicing impact, though this information is not predictive enough to determine pathogenicity. In summary, the clinical significance of the c.715-3C>A variant is uncertain. ACMG/AMP Criteria applied: PM3_Supporting, PP3 (Richards 2015).

Ambry Genetics
Classification: Uncertain significance for Inborn genetic diseases. Last evaluated: 2022-04-22. Review status: criteria provided, single submitter. Criteria: Ambry Variant Classification Scheme 2023. Collection method: clinical testing. Allele origin: germline.
Comment: The c.715-3C>A intronic alteration consists of a C to A substitution 3 nucleotides before exon 7 of the NDUFAF6 gene. Based on insufficient or conflicting evidence, the clinical significance of this alteration remains unclear.

Baylor Genetics
Classification: Uncertain significance for Leigh syndrome. Last evaluated: 2018-07-09. Review status: criteria provided, single submitter. Criteria: ACMG Guidelines, 2015. Collection method: clinical testing. Allele origin: unknown. Affected: yes.
Comment: This variant was determined to be of uncertain significance according to ACMG Guidelines, 2015 [PMID:25741868].

Eurofins Ntd Llc (ga)
Classification: Uncertain significance. Last evaluated: 2015-10-28. Review status: criteria provided, single submitter. Criteria: EGL Classification Definitions 2015. Collection method: clinical testing. Allele origin: germline. Observed: 1 variant allele, 1 heterozygote.

Dr. Peter K. Rogan Lab, Western University
No classification provided (evidence only). Condition: Clear cell carcinoma of kidney. Review status: no classification provided. Collection method: in vitro. Allele origin: not applicable. Functional consequence: retained intron. Not counted in ClinVar's aggregate classification.

Dr. Peter K. Rogan Lab, Western University
No classification provided (evidence only). Condition: Familial cancer of breast. Review status: no classification provided. Collection method: in vitro. Allele origin: not applicable. Functional consequence: retained intron. Not counted in ClinVar's aggregate classification.

Dr. Peter K. Rogan Lab, Western University
No classification provided (evidence only). Condition: Acute myeloid leukemia. Review status: no classification provided. Collection method: in vitro. Allele origin: not applicable. Functional consequence: retained intron. Not counted in ClinVar's aggregate classification.

Dr. Peter K. Rogan Lab, Western University
No classification provided (evidence only). Condition: Colon adenocarcinoma. Review status: no classification provided. Collection method: in vitro. Allele origin: not applicable. Functional consequence: retained intron. Not counted in ClinVar's aggregate classification.

Dr. Peter K. Rogan Lab, Western University
No classification provided (evidence only). Condition: Cervical cancer. Review status: no classification provided. Collection method: in vitro. Allele origin: not applicable. Functional consequence: retained intron. Not counted in ClinVar's aggregate classification.

Dr. Peter K. Rogan Lab, Western University
No classification provided (evidence only). Condition: Sarcoma. Review status: no classification provided. Collection method: in vitro. Allele origin: not applicable. Functional consequence: retained intron. Not counted in ClinVar's aggregate classification.

Dr. Peter K. Rogan Lab, Western University
No classification provided (evidence only). Condition: Sarcoma. Review status: no classification provided. Collection method: in vitro. Allele origin: not applicable. Functional consequence: retained intron. Not counted in ClinVar's aggregate classification.

Dr. Peter K. Rogan Lab, Western University
No classification provided (evidence only). Condition: Ovarian serous cystadenocarcinoma. Review status: no classification provided. Collection method: in vitro. Allele origin: not applicable. Functional consequence: retained intron. Not counted in ClinVar's aggregate classification.

Dr. Peter K. Rogan Lab, Western University
No classification provided (evidence only). Condition: Nonpapillary renal cell carcinoma. Review status: no classification provided. Collection method: in vitro. Allele origin: not applicable. Functional consequence: retained intron. Not counted in ClinVar's aggregate classification.

Dr. Peter K. Rogan Lab, Western University
No classification provided (evidence only). Condition: Ovarian cancer. Review status: no classification provided. Collection method: in vitro. Allele origin: not applicable. Functional consequence: retained intron. Not counted in ClinVar's aggregate classification.

Literature cited by the submitters: PubMed 17576681 (cited by Labcorp Genetics (formerly Invitae), Labcorp); PubMed 9536098 (cited by Labcorp Genetics (formerly Invitae), Labcorp).